The following is an entry in ClinVar:

ClinVar aggregate classification (germline): Benign. Review status: criteria provided, multiple submitters, no conflicts (2 of 4 stars). 2 submissions from 2 submitters: Benign (2). Last evaluated 2018-01-12.

Conditions:
Polycystic liver disease 1 (PCLD1). Also called: Polycystic liver disease 1 with or without kidney cysts. Identifiers: Orphanet 2924, MedGen C0887850, MONDO:0008265, OMIM 174050.

Allele frequency attached by ClinVar (database versions not stated): gnomAD exomes 0.00643 and 0.00969; gnomAD 0.00780; ExAC 0.00353; 1000 Genomes Project 0.00459; TOPMed 0.00814; 1000 Genomes Project 30x 0.00468.
gnomAD v4.1: 12,043 of 1,286,194 alleles (0.94%); highest among the groups gnomAD compares: Middle Eastern, 1.2%; 76 homozygotes.

Submissions (2):

Illumina Laboratory Services, Illumina
Classification: Benign for Polycystic liver disease 1. Last evaluated: 2018-01-12. Review status: criteria provided, single submitter. Criteria: ICSL Variant Classification Criteria 13 December 2019. Collection method: clinical testing. Allele origin: germline.
Comment: This variant was observed in the ICSL laboratory as part of a predisposition screen in an ostensibly healthy population. It had not been previously curated by ICSL or reported in the Human Gene Mutation Database (HGMD: prior to June 1st, 2018), and was therefore a candidate for classification through an automated scoring system. Utilizing variant allele frequency, disease prevalence and penetrance estimates, and inheritance mode, an automated score was calculated to assess if this variant is too frequent to cause the disease. Based on the score and internal cut-off values, a variant classified as benign is not then subjected to further curation. The score for this variant resulted in a classification of benign for this disease.

Breakthrough Genomics
Classification: Benign. Review status: criteria provided, single submitter. Criteria: ACMG Guidelines, 2015. Collection method: not provided. Allele origin: germline. Inheritance: Autosomal dominant inheritance. Affected: yes.

NM_001289104.2(PRKCSH):c.-130C>T

Genes: ODAD3 (outer dynein arm docking complex subunit 3; minus strand), PRKCSH (PRKCSH beta subunit of glucosidase II; plus strand). Cytogenetic location: 19p13.2.
Variant type: single nucleotide variant.
Coding change: c.-130C>T on transcript NM_001289104.2 (MANE Select); 130 bases upstream of the start codon, C replaced by T.
Molecular consequence: 5 prime UTR variant. On other transcripts: intron variant (1).
Genome position (GRCh38, 1-based): chr19:11,435,654, C>T. VCF-style: chr19-11435654-C-T. GRCh37 (hg19) VCF-style: chr19-11546475-C-T.
Other names: c.-130C>T (NM_001001329.3, NM_002743.3); c.-134C>T (NM_001289103.2, NM_001379608.1, NM_001379609.1); c.82+36G>A (NM_001302453.1).
Identifiers: ClinVar variation 328166 (VCV000328166.8), dbSNP rs45450094, ClinGen allele CA9212600.